The following is an entry in ClinVar:

NM_017449.5(EPHB2):c.835G>T (p.Ala279Ser)

Gene: EPHB2 (EPH receptor B2; plus strand). Cytogenetic location: 1p36.12.
Variant type: single nucleotide variant.
Coding change: c.835G>T on transcript NM_017449.5 (MANE Select); coding-DNA position 835, G replaced by T.
Protein change: p.Ala279Ser; replaces alanine 279 with serine.
Molecular consequence: missense variant.
Genome position (GRCh38, 1-based): chr1:22,863,060, G>T. VCF-style: chr1-22863060-G-T. GRCh37 (hg19) VCF-style: chr1-23189553-G-T.
Other names: c.835G>T, p.Ala279Ser (NM_001309192.2, NM_001309193.2, NM_004442.7); short protein forms A279S.
Identifiers: ClinVar variation 8533 (VCV000008533.7), dbSNP rs35882952, ClinGen allele CA119704.

ClinVar aggregate classification (germline): Benign/Likely benign. Review status: criteria provided, multiple submitters, no conflicts (2 of 4 stars). 4 submissions from 4 submitters: Benign (2); Likely benign (1). 1 of the submissions does not count toward it. Last evaluated 2025-06-12.

Conditions:
EPHB2-related disorder. Also called: EPHB2-related condition.
Prostate cancer/brain cancer susceptibility. Also called: PROSTATE CANCER, PROGRESSION AND METASTASIS OF, SOMATIC; PROSTATE CANCER, SUSCEPTIBILITY TO, IN AFRICAN AMERICANS, SOMATIC. Identifiers: Orphanet 1331, MedGen C1863600, MONDO:0011361, OMIM 603688.

Allele frequency attached by ClinVar (database versions not stated): gnomAD exomes 0.00034; 1000 Genomes Project 0.00240; 1000 Genomes Project 30x 0.00297; gnomAD 0.00381 and 0.00424; TOPMed 0.00450.
gnomAD v4.1: 1,107 of 1,614,160 alleles (0.069%); highest among the groups gnomAD compares: African/African-American, 1.3%; 3 homozygotes.

Submissions (4):

PreventionGenetics, part of Exact Sciences
Classification: Likely benign for EPHB2-related condition. Last evaluated: 2025-06-12. Review status: criteria provided, single submitter. Criteria: ACMG Guidelines, 2015. Collection method: clinical testing. Allele origin: germline.
Comment: This variant is classified as likely benign based on ACMG/AMP sequence variant interpretation guidelines (Richards et al. 2015 PMID: 25741868, with internal and published modifications).

Labcorp Genetics (formerly Invitae), Labcorp
Classification: Benign. Last evaluated: 2019-12-31. Review status: criteria provided, single submitter. Criteria: Invitae Variant Classification Sherloc (09022015). Collection method: clinical testing. Allele origin: germline.

Breakthrough Genomics
Classification: Benign. Review status: criteria provided, single submitter. Criteria: ACMG Guidelines, 2015. Collection method: not provided. Allele origin: germline. Inheritance: Autosomal recessive inheritance. Affected: yes.

OMIM
Classification: Pathogenic for PROSTATE CANCER, PROGRESSION AND METASTASIS OF, SOMATIC. Last evaluated: 2004-09-01. Review status: no assertion criteria provided. Collection method: literature only. Allele origin: somatic. Not counted in ClinVar's aggregate classification.

Literature cited by the submitters: PubMed 15300251 (cited by OMIM).